The following is an entry in ClinVar:

NM_004595.5(SMS):c.49+203G>A

Gene: SMS (spermine synthase; plus strand). Cytogenetic location: Xp22.11.
Variant type: single nucleotide variant.
Coding change: c.49+203G>A on transcript NM_004595.5 (MANE Select); 203 bases into the intron after coding-DNA position 49, G replaced by A.
Molecular consequence: intron variant.
Genome position (GRCh38, 1-based): chrX:21,941,076, G>A. VCF-style: chrX-21941076-G-A. GRCh37 (hg19) VCF-style: chrX-21959194-G-A.
Other names: c.49+203G>A (NM_001258423.2).
Identifiers: ClinVar variation 2660157 (VCV002660157.24), dbSNP rs906322367, ClinGen allele CA327509208.

ClinVar aggregate classification (germline): Likely benign (1 of 4 stars; one submission).

Submission:

CeGaT Center for Human Genetics Tuebingen
Classification: Likely benign. Last evaluated: 2023-01-01. Review status: criteria provided, single submitter. Criteria: CeGaT Center For Human Genetics Tuebingen Variant Classification Criteria Version 2. Collection method: clinical testing. Allele origin: germline. Affected: yes. Observed: 1 variant allele.
Comment: SMS: BS2